The following is an entry in ClinVar:

NM_006947.4(SRP72):c.231-3C>T

Gene: SRP72 (signal recognition particle 72; plus strand). Cytogenetic location: 4q12.
Variant type: single nucleotide variant.
Coding change: c.231-3C>T on transcript NM_006947.4 (MANE Select); 3 bases into the intron before coding-DNA position 231, C replaced by T.
Molecular consequence: intron variant.
Genome position (GRCh38, 1-based): chr4:56,471,717, C>T. VCF-style: chr4-56471717-C-T. GRCh37 (hg19) VCF-style: chr4-57337883-C-T.
Other names: c.231-3C>T (NM_001267722.2).
Identifiers: ClinVar variation 4730366 (VCV004730366.1).
Genomic context (GRCh38, chr4:56,471,717, plus strand): 5'-TATATAATGGGTGCATTGCATTGTTAGATAATAATCAGATACTGTTTTTTTTTCCTTCTT[C>T]AGTAACTCTCTCTCCTTTGAAAAGGCATATTGCGAGTACAGGCTGAACAGAATTGAGAAT-3'

ClinVar aggregate classification (germline): Uncertain significance (1 of 4 stars; one submission).

Submission:

Labcorp Genetics (formerly Invitae), Labcorp
Classification: Uncertain significance. Last evaluated: 2025-11-03. Review status: criteria provided, single submitter. Criteria: Invitae Variant Classification Sherloc (09022015). Collection method: clinical testing. Allele origin: germline.
Comment: This sequence change falls in intron 2 of the SRP72 gene. It does not directly change the encoded amino acid sequence of the SRP72 protein. It affects a nucleotide within the consensus splice site. The frequency data for this variant in the population databases is considered unreliable, as metrics indicate poor data quality at this position in the gnomAD database. This variant has not been reported in the literature in individuals affected with SRP72-related conditions. Variants that disrupt the consensus splice site are a relatively common cause of aberrant splicing (PMID: 17576681, 9536098). Algorithms developed to predict the effect of sequence changes on RNA splicing suggest that this variant is not likely to affect RNA splicing. In summary, the available evidence is currently insufficient to determine the role of this variant in disease. Therefore, it has been classified as a Variant of Uncertain Significance.

Literature cited by the submitters: PubMed 17576681; PubMed 9536098.